The following is an entry in ClinVar:

ClinVar aggregate classification (germline): Uncertain significance (1 of 4 stars; one submission).

Submission:

CeGaT Center for Human Genetics Tuebingen
Classification: Uncertain significance. Last evaluated: 2026-06-01. Review status: criteria provided, single submitter. Criteria: CeGaT Center For Human Genetics Tuebingen Variant Classification Criteria Version 2. Collection method: clinical testing. Allele origin: germline. Affected: yes. Observed: 1 variant allele.
Comment: COL6A3: PM2, BP4

NM_004369.4(COL6A3):c.91+8C>A

Gene: COL6A3 (collagen type VI alpha 3 chain; minus strand). Cytogenetic location: 2q37.3.
Variant type: single nucleotide variant.
Coding change: c.91+8C>A on transcript NM_004369.4 (MANE Select); 8 bases into the intron after coding-DNA position 91, C replaced by A.
Molecular consequence: intron variant.
Genome position (GRCh38, 1-based): chr2:237,396,719, G>T on the plus strand (C>A on the coding strand, the complement: COL6A3 is on the minus strand). VCF-style: chr2-237396719-G-T. GRCh37 (hg19) VCF-style: chr2-238305362-G-T.
Other names: c.91+8C>A (NM_057166.5, NM_057167.4, NM_057164.5 and 1 more transcripts).
Identifiers: ClinVar variation 4875193 (VCV004875193.2).